The following is an entry in ClinVar:

ClinVar aggregate classification (germline): Uncertain significance (1 of 4 stars; one submission).

Submission:

GeneDx
Classification: Uncertain significance. Last evaluated: 2014-09-15. Review status: criteria provided, single submitter. Criteria: GeneDx Variant Classification (06012015). Collection method: clinical testing. Allele origin: germline. Affected: yes.
Comment: Missense variants in the TTN gene are considered 'unclassified' if they are not previously reported in the literature and do not have >1% frequency in the population to be considered a polymorphism. Research indicates that truncating mutations in the TTN gene are expected to account for approximately 25% of familial and 18% of sporadic idiopathic DCM; however, truncating variants in the TTN gene have been reported in approximately 3% of reported control alleles. There has been little investigation into non-truncating variants. (Herman D et al. Truncations of titin causing dilated cardiomyopathy. N Eng J Med 366:619-628, 2012) The variant is found in CARDIOMYOPATHY panel(s).

NM_001267550.2(TTN):c.72076G>A (p.Ala24026Thr)

Genes: TTN-AS1 (TTN antisense RNA 1; plus strand), TTN (titin; minus strand). Cytogenetic location: 2q31.2.
Variant type: single nucleotide variant.
Coding change: c.72076G>A on transcript NM_001267550.2 (MANE Select); coding-DNA position 72076, G replaced by A.
Protein change: p.Ala24026Thr; replaces alanine 24026 with threonine.
Molecular consequence: missense variant.
Genome position (GRCh38, 1-based): chr2:178,574,056, C>T on the plus strand (G>A on the coding strand, the complement: TTN is on the minus strand). VCF-style: chr2-178574056-C-T. GRCh37 (hg19) VCF-style: chr2-179438783-C-T.
Other names: p.A22385T:GCA>ACA; c.67153G>A, p.Ala22385Thr (NM_001256850.1); c.44881G>A, p.Ala14961Thr (NM_003319.4); c.64372G>A, p.Ala21458Thr (NM_133378.4); c.45256G>A, p.Ala15086Thr (NM_133432.3); c.45457G>A, p.Ala15153Thr (NM_133437.4); short protein forms A22385T, A24026T, A14961T, A15153T, A21458T, A15086T.
Identifiers: ClinVar variation 202837 (VCV000202837.1), dbSNP rs794729490, ClinGen allele CA310439.